The following is an entry in ClinVar:

ClinVar aggregate classification (germline): Uncertain significance. Review status: criteria provided, multiple submitters, no conflicts (2 of 4 stars). 5 submissions from 5 submitters: Uncertain significance (3). 2 of the submissions do not count toward it. Last evaluated 2025-09-23.

Conditions:
Hereditary cancer-predisposing syndrome. Also called: Neoplastic Syndromes, Hereditary; Hereditary Cancer Syndrome; Hereditary neoplastic syndrome; Tumor predisposition. Identifiers: Orphanet 140162, MedGen C0027672, MeSH D009386, MONDO:0015356.
Tuberous sclerosis 2 (TSC2). Identifiers: Orphanet 805, MedGen C1860707, MONDO:0013199, OMIM 613254.
Tuberous sclerosis syndrome (TSC). Also called: Tuberous sclerosis; Tuberous Sclerosis Complex. Identifiers: Orphanet 805, MedGen C0041341, MONDO:0001734.

Allele frequency attached by ClinVar (database versions not stated): gnomAD exomes 0.00001.
gnomAD v4.1: 3 of 1,612,590 alleles (0.00019%); highest among the groups gnomAD compares: Non-Finnish European, 0.00025%; no homozygotes.

Submissions (5):

Color Diagnostics, LLC DBA Color Health
Classification: Uncertain significance for Tuberous sclerosis syndrome. Last evaluated: 2025-09-23. Review status: criteria provided, single submitter. Criteria: ACMG Guidelines, 2015. Collection method: clinical testing. Allele origin: germline.
Comment: This missense variant replaces glutamic acid with glutamine at codon 234 of the TSC2 protein. Computational prediction is inconclusive regarding the impact of this variant on protein structure and function. To our knowledge, functional studies have not been reported for this variant. This variant has not been reported in individuals affected with TSC2-related disorders in the literature. This variant has not been identified in the general population by the Genome Aggregation Database (gnomAD). The available evidence is insufficient to determine the role of this variant in disease conclusively. Therefore, this variant is classified as a Variant of Uncertain Significance.

Ambry Genetics
Classification: Uncertain significance for Hereditary cancer-predisposing syndrome. Last evaluated: 2025-03-22. Review status: criteria provided, single submitter. Criteria: Ambry Variant Classification Scheme 2023. Collection method: clinical testing. Allele origin: germline.
Comment: The p.E234Q variant (also known as c.700G>C), located in coding exon 7 of the TSC2 gene, results from a G to C substitution at nucleotide position 700. The glutamic acid at codon 234 is replaced by glutamine, an amino acid with highly similar properties. This amino acid position is conserved. In addition, the in silico prediction for this alteration is inconclusive. Based on the available evidence, the clinical significance of this variant remains unclear.

Labcorp Genetics (formerly Invitae), Labcorp
Classification: Uncertain significance for Tuberous sclerosis 2. Last evaluated: 2025-03-18. Review status: criteria provided, single submitter. Criteria: Invitae Variant Classification Sherloc (09022015). Collection method: clinical testing. Allele origin: germline.
Comment: This sequence change replaces glutamic acid, which is acidic and polar, with glutamine, which is neutral and polar, at codon 234 of the TSC2 protein (p.Glu234Gln). This variant is not present in population databases (gnomAD no frequency). This variant has not been reported in the literature in individuals affected with TSC2-related conditions. ClinVar contains an entry for this variant (Variation ID: 640709). Invitae Evidence Modeling of protein sequence and biophysical properties (such as structural, functional, and spatial information, amino acid conservation, physicochemical variation, residue mobility, and thermodynamic stability) indicates that this missense variant is not expected to disrupt TSC2 protein function with a negative predictive value of 95%. In summary, the available evidence is currently insufficient to determine the role of this variant in disease. Therefore, it has been classified as a Variant of Uncertain Significance.

Clinical Genetics DNA and cytogenetics Diagnostics Lab, Erasmus MC, Erasmus Medical Center
Classification: Uncertain significance. Review status: no assertion criteria provided. Collection method: clinical testing. Allele origin: germline. Affected: yes. Study: VKGL Data-share Consensus. Not counted in ClinVar's aggregate classification.

Joint Genome Diagnostic Labs from Nijmegen and Maastricht, Radboudumc and MUMC+
Classification: Uncertain significance. Review status: no assertion criteria provided. Collection method: clinical testing. Allele origin: germline. Affected: yes. Study: VKGL Data-share Consensus. Not counted in ClinVar's aggregate classification.

NM_000548.5(TSC2):c.700G>C (p.Glu234Gln)

Gene: TSC2 (TSC complex subunit 2; plus strand). Cytogenetic location: 16p13.3.
Variant type: single nucleotide variant.
Coding change: c.700G>C on transcript NM_000548.5 (MANE Select); coding-DNA position 700, G replaced by C.
Protein change: p.Glu234Gln; replaces glutamic acid 234 with glutamine.
Molecular consequence: missense variant.
Genome position (GRCh38, 1-based): chr16:2,056,695, G>C. VCF-style: chr16-2056695-G-C. GRCh37 (hg19) VCF-style: chr16-2106696-G-C.
Other names: c.553G>C, p.Glu185Gln (NM_001318829.2); c.100G>C, p.Glu34Gln (NM_001318831.2); c.733G>C, p.Glu245Gln (NM_001318832.2); c.700G>C, p.Glu234Gln (NM_001363528.2, NM_001370404.1, NM_001370405.1 and 3 more transcripts); c.589G>C, p.Glu197Gln (NM_001318827.2); short protein forms E234Q, E197Q, E34Q, E185Q, E245Q.
Identifiers: ClinVar variation 640709 (VCV000640709.11), dbSNP rs397515018, ClinGen allele CA394312647.